The following is an entry in ClinVar:

ClinVar aggregate classification (germline): Uncertain significance (1 of 4 stars; one submission).

Conditions:
Chédiak-Higashi syndrome (CHS). Also called: Chediak-Higashi Syndrome. Identifiers: Orphanet 167, MedGen C0007965, MONDO:0008963, OMIM 214500.

Submission:

Labcorp Genetics (formerly Invitae), Labcorp
Classification: Uncertain significance for Chédiak-Higashi syndrome. Last evaluated: 2021-10-16. Review status: criteria provided, single submitter. Criteria: Invitae Variant Classification Sherloc (09022015). Collection method: clinical testing. Allele origin: germline.
Comment: In summary, the available evidence is currently insufficient to determine the role of this variant in disease. Therefore, it has been classified as a Variant of Uncertain Significance. Algorithms developed to predict the effect of missense changes on protein structure and function (SIFT, PolyPhen-2, Align-GVGD) all suggest that this variant is likely to be tolerated. This variant has not been reported in the literature in individuals affected with LYST-related conditions. This variant is not present in population databases (ExAC no frequency). This sequence change replaces threonine with isoleucine at codon 2813 of the LYST protein (p.Thr2813Ile). The threonine residue is weakly conserved and there is a moderate physicochemical difference between threonine and isoleucine.

NM_000081.4(LYST):c.8438C>T (p.Thr2813Ile)

Gene: LYST (lysosomal trafficking regulator; minus strand). Cytogenetic location: 1q42.3.
Variant type: single nucleotide variant.
Coding change: c.8438C>T on transcript NM_000081.4 (MANE Select); coding-DNA position 8438, C replaced by T.
Protein change: p.Thr2813Ile; replaces threonine 2813 with isoleucine.
Molecular consequence: missense variant.
Genome position (GRCh38, 1-based): chr1:235,734,580, G>A on the plus strand (C>T on the coding strand, the complement: LYST is on the minus strand). VCF-style: chr1-235734580-G-A. GRCh37 (hg19) VCF-style: chr1-235897880-G-A.
Other names: c.8438C>T, p.Thr2813Ile (NM_001301365.1); short protein forms T2813I.
Identifiers: ClinVar variation 1482415 (VCV001482415.5), dbSNP rs753203268, ClinGen allele CA344921008.